The following is an entry in ClinVar:

ClinVar aggregate classification (germline): Likely benign. Review status: criteria provided, single submitter (1 of 4 stars). 2 submissions from 2 submitters: Likely benign (1). 1 of the submissions does not count toward it. Last evaluated 2025-12-31.

Conditions:
COL4A4-related disorder.

Allele frequency attached by ClinVar (database versions not stated): gnomAD 0.00001; ExAC 0.00008; gnomAD exomes 0.00008; 1000 Genomes Project 30x 0.00031; 1000 Genomes Project 0.00040.
gnomAD v4.1: 45 of 1,614,218 alleles (0.0028%); highest among the groups gnomAD compares: South Asian, 0.044%; no homozygotes.

Submissions (2):

Labcorp Genetics (formerly Invitae), Labcorp
Classification: Likely benign. Last evaluated: 2025-12-31. Review status: criteria provided, single submitter. Criteria: Invitae Variant Classification Sherloc (09022015). Collection method: clinical testing. Allele origin: germline.

PreventionGenetics, part of Exact Sciences
Classification: Likely benign for COL4A4-related condition. Last evaluated: 2023-10-24. Review status: no assertion criteria provided. Collection method: clinical testing. Allele origin: germline. Not counted in ClinVar's aggregate classification.
Comment: This variant is classified as likely benign based on ACMG/AMP sequence variant interpretation guidelines (Richards et al. 2015 PMID: 25741868, with internal and published modifications).

NM_000092.5(COL4A4):c.4959A>G (p.Thr1653=)

Gene: COL4A4 (collagen type IV alpha 4 chain; minus strand). Cytogenetic location: 2q36.3.
Variant type: single nucleotide variant.
Coding change: c.4959A>G on transcript NM_000092.5 (MANE Select); coding-DNA position 4959, A replaced by G.
Protein change: p.Thr1653=; no amino-acid change (threonine 1653 retained).
Molecular consequence: synonymous variant.
Genome position (GRCh38, 1-based): chr2:227,007,439, T>C on the plus strand (A>G on the coding strand, the complement: COL4A4 is on the minus strand). VCF-style: chr2-227007439-T-C. GRCh37 (hg19) VCF-style: chr2-227872155-T-C.
Other names: c.4959A>G (NM_000092.4).
Identifiers: ClinVar variation 1154341 (VCV001154341.11), dbSNP rs574960389, ClinGen allele CA2144011.
Genomic context (GRCh38, chr2:227,007,439, plus strand): 5'-GCTTTCTTTTAAGGTGTCTGGTGCTGGAGCAGAGGAAAACTGCAAGTCTGCTTTCACCGT[T>C]GTGAGCCAGAAGCTATACTTATTTGCGAAAAAGTGGCAAGTTCCCTGCCGGCCCTGGCAT-3'
Protein context (NP_000083.3, residues 1643-1663): FFANKYSFWL[Thr1653=]TVKADLQFSS